The following is an entry in ClinVar:

NM_015512.5(DNAH1):c.2334G>C (p.Glu778Asp)

Gene: DNAH1 (dynein axonemal heavy chain 1; plus strand). Cytogenetic location: 3p21.1.
Variant type: single nucleotide variant.
Coding change: c.2334G>C on transcript NM_015512.5 (MANE Select); coding-DNA position 2334, G replaced by C.
Protein change: p.Glu778Asp; replaces glutamic acid 778 with aspartic acid.
Molecular consequence: missense variant.
Genome position (GRCh38, 1-based): chr3:52,349,228, G>C. VCF-style: chr3-52349228-G-C. GRCh37 (hg19) VCF-style: chr3-52383244-G-C.
Other names: short protein forms E778D.
Identifiers: ClinVar variation 4686872 (VCV004686872.1).
Genomic context (GRCh38, chr3:52,349,228, plus strand): 5'-CCCCTCCCGTGTGCTTGCTGTCCTCAGAACCTACCAGACGCAGGGCCTGTTGGCCCAGGA[G>C]GTGCGGGAGGTAGTGCTCACCCACCTGCGGGAGAAGGAGATCCTGGACAGCTCGCTGCCC-3'
Protein context (NP_056327.4, residues 768-788): TYQTQGLLAQ[Glu778Asp]VREVVLTHLR

ClinVar aggregate classification (germline): Uncertain significance (1 of 4 stars; one submission).

gnomAD v4.1: 2 of 1,613,742 alleles (0.00012%); highest among the groups gnomAD compares: Non-Finnish European, 0.000085%; no homozygotes.

Submission:

GeneDx
Classification: Uncertain significance. Last evaluated: 2025-07-23. Review status: criteria provided, single submitter. Criteria: GeneDx Variant Classification Process June 2021. Collection method: clinical testing. Allele origin: germline. Affected: yes.
Comment: Not observed at significant frequency in large population cohorts (gnomAD); In silico analysis suggests that this missense variant does not alter protein structure/function; Has not been previously published as pathogenic or benign to our knowledge